The following is an entry in ClinVar:

ClinVar aggregate classification (germline): Uncertain significance (1 of 4 stars; one submission).

Conditions:
Inborn genetic diseases. Identifiers: MedGen C0950123, MeSH D030342.

Submission:

Ambry Genetics
Classification: Uncertain significance for Inborn genetic diseases. Last evaluated: 2025-04-28. Review status: criteria provided, single submitter. Criteria: Ambry Variant Classification Scheme 2023. Collection method: clinical testing. Allele origin: germline.
Comment: The p.Q1230K variant (also known as c.3688C>A), located in coding exon 1 of the SAMD9L gene, results from a C to A substitution at nucleotide position 3688. The glutamine at codon 1230 is replaced by lysine, an amino acid with similar properties. This amino acid position is conserved. In addition, this alteration is predicted to be tolerated by in silico analysis. Based on the available evidence, the clinical significance of this variant remains unclear.

NM_152703.5(SAMD9L):c.3688C>A (p.Gln1230Lys)

Gene: SAMD9L (sterile alpha motif domain containing 9 like; minus strand). Cytogenetic location: 7q21.2.
Variant type: single nucleotide variant.
Coding change: c.3688C>A on transcript NM_152703.5 (MANE Select); coding-DNA position 3688, C replaced by A.
Protein change: p.Gln1230Lys; replaces glutamine 1230 with lysine.
Molecular consequence: missense variant.
Genome position (GRCh38, 1-based): chr7:93,132,284, G>T on the plus strand (C>A on the coding strand, the complement: SAMD9L is on the minus strand). VCF-style: chr7-93132284-G-T. GRCh37 (hg19) VCF-style: chr7-92761597-G-T.
Other names: c.3688C>A, p.Gln1230Lys (NM_001303496.3, NM_001303497.3, NM_001303498.3 and 5 more transcripts); short protein forms Q1230K.
Identifiers: ClinVar variation 3949877 (VCV003949877.1).